The following is an entry in ClinVar:

NM_001383.6(DPH1):c.675C>T (p.Ala225=)

Gene: DPH1 (diphthamide biosynthesis 1; plus strand). Cytogenetic location: 17p13.3.
Variant type: single nucleotide variant.
Coding change: c.675C>T on transcript NM_001383.6 (MANE Select); coding-DNA position 675, C replaced by T.
Protein change: p.Ala225=; no amino-acid change (alanine 225 retained).
Molecular consequence: synonymous variant. On other transcripts: non-coding transcript variant (3).
Genome position (GRCh38, 1-based): chr17:2,036,951, C>T. VCF-style: chr17-2036951-C-T. GRCh37 (hg19) VCF-style: chr17-1940245-C-T.
Other names: c.690C>T, p.Ala230= (NM_001346574.1); c.657C>T, p.Ala219= (NM_001346575.1); c.270C>T, p.Ala90= (NM_001346576.2).
Identifiers: ClinVar variation 788904 (VCV000788904.39), dbSNP rs192822710, ClinGen allele CA8277072.
Genomic context (GRCh38, chr17:2,036,951, plus strand): 5'-CCTGTCCCCTGGAGAGATCCTGGGCTGCACATCCCCCCGACTGTCCAAAGAGGTGGAGGC[C>T]GTTGTGTAAGTTAAAAATGGGGGCCAAGTAAGTCCTAGAGACATGCGTGTACCCTGGGAG-3'
Protein context (NP_001374.4, residues 215-235): TSPRLSKEVE[Ala225=]VVYLGDGRFH

ClinVar aggregate classification (germline): Benign/Likely benign. Review status: criteria provided, multiple submitters, no conflicts (2 of 4 stars). 3 submissions from 3 submitters: Benign (1); Likely benign (2). Last evaluated 2026-01-01.

Allele frequency attached by ClinVar (database versions not stated): 1000 Genomes Project 30x 0.00047; 1000 Genomes Project 0.00060; TOPMed 0.00101; gnomAD 0.00116 and 0.00117; ESP Exome Variant Server 0.00140; gnomAD exomes 0.00162; ExAC 0.00180.
gnomAD v4.1: 2,515 of 1,612,338 alleles (0.16%); highest among the groups gnomAD compares: Non-Finnish European, 0.19%; 1 homozygote.

Submissions (3):

CeGaT Center for Human Genetics Tuebingen
Classification: Likely benign. Last evaluated: 2026-01-01. Review status: criteria provided, single submitter. Criteria: CeGaT Center For Human Genetics Tuebingen Variant Classification Criteria Version 2. Collection method: clinical testing. Allele origin: germline. Affected: yes. Observed: 4 variant alleles.
Comment: DPH1: BP4, BP7

Blueprint Genetics
Classification: Likely benign. Last evaluated: 2024-10-21. Review status: criteria provided, single submitter. Criteria: ACMG Guidelines, 2015. Collection method: clinical testing. Allele origin: germline.

Labcorp Genetics (formerly Invitae), Labcorp
Classification: Benign. Last evaluated: 2019-12-31. Review status: criteria provided, single submitter. Criteria: Invitae Variant Classification Sherloc (09022015). Collection method: clinical testing. Allele origin: germline.